The following is an entry in ClinVar:

ClinVar aggregate classification (germline): Uncertain significance (1 of 4 stars; one submission).

Conditions:
Developmental and epileptic encephalopathy 94 (DEE94). Also called: Epileptic encephalopathy, childhood-onset; CHD2-Related Neurodevelopmental Disorders. Identifiers: Orphanet 1942, Orphanet 2382, MedGen C3809278, MONDO:0014150, OMIM 615369.

Submission:

Labcorp Genetics (formerly Invitae), Labcorp
Classification: Uncertain significance for Developmental and epileptic encephalopathy 94. Last evaluated: 2022-07-11. Review status: criteria provided, single submitter. Criteria: Invitae Variant Classification Sherloc (09022015). Collection method: clinical testing. Allele origin: germline.
Comment: In summary, the available evidence is currently insufficient to determine the role of this variant in disease. Therefore, it has been classified as a Variant of Uncertain Significance. Advanced modeling of protein sequence and biophysical properties (such as structural, functional, and spatial information, amino acid conservation, physicochemical variation, residue mobility, and thermodynamic stability) performed at Invitae indicates that this missense variant is not expected to disrupt CHD2 protein function. This variant has not been reported in the literature in individuals affected with CHD2-related conditions. This variant is not present in population databases (gnomAD no frequency). This sequence change replaces proline, which is neutral and non-polar, with threonine, which is neutral and polar, at codon 1749 of the CHD2 protein (p.Pro1749Thr).

NM_001271.4(CHD2):c.5245C>A (p.Pro1749Thr)

Gene: CHD2 (chromodomain helicase DNA binding protein 2; plus strand). Cytogenetic location: 15q26.1.
Variant type: single nucleotide variant.
Coding change: c.5245C>A on transcript NM_001271.4 (MANE Select); coding-DNA position 5245, C replaced by A.
Protein change: p.Pro1749Thr; replaces proline 1749 with threonine.
Molecular consequence: missense variant.
Genome position (GRCh38, 1-based): chr15:93,024,463, C>A. VCF-style: chr15-93024463-C-A. GRCh37 (hg19) VCF-style: chr15-93567693-C-A.
Other names: short protein forms P1749T.
Identifiers: ClinVar variation 2008929 (VCV002008929.4), dbSNP rs772907727, ClinGen allele CA393908379.